The following is an entry in ClinVar:

ClinVar aggregate classification (germline): Uncertain significance. Review status: criteria provided, multiple submitters, no conflicts (2 of 4 stars). 2 submissions from 2 submitters: Uncertain significance (2). Last evaluated 2026-08-07.

Conditions:
Multiple endocrine neoplasia, type 1 (MEN1). Also called: MEA I; MEN I; WERMER SYNDROME; Endocrine adenomatosis multiple; MEN 1. Identifiers: Orphanet 652, MedGen C0025267, MeSH D018761, MONDO:0007540, OMIM 131100.
Hereditary cancer-predisposing syndrome. Also called: Tumor predisposition; Hereditary Cancer Syndrome; Hereditary neoplastic syndrome; Neoplastic Syndromes, Hereditary. Identifiers: Orphanet 140162, MedGen C0027672, MeSH D009386, MONDO:0015356.

Allele frequency attached by ClinVar (database versions not stated): ExAC 0.00001; gnomAD exomes below 0.00001.

Submissions (2):

Ambry Genetics
Classification: Uncertain significance for Hereditary cancer-predisposing syndrome. Last evaluated: 2026-08-07. Review status: criteria provided, single submitter. Criteria: Ambry Variant Classification Scheme 2023. Collection method: clinical testing. Allele origin: germline.
Comment: The p.E316K variant (also known as c.946G>A), located in coding exon 6 of the MEN1 gene, results from a G to A substitution at nucleotide position 946. The glutamic acid at codon 316 is replaced by lysine, an amino acid with similar properties. This amino acid position is well conserved in available vertebrate species. In addition, this alteration is predicted to be deleterious by in silico analysis. Based on the available evidence, the clinical significance of this variant remains unclear.

Labcorp Genetics (formerly Invitae), Labcorp
Classification: Uncertain significance for Multiple endocrine neoplasia, type 1. Last evaluated: 2020-01-05. Review status: criteria provided, single submitter. Criteria: Invitae Variant Classification Sherloc (09022015). Collection method: clinical testing. Allele origin: germline.
Comment: In summary, the available evidence is currently insufficient to determine the role of this variant in disease. Therefore, it has been classified as a Variant of Uncertain Significance. Algorithms developed to predict the effect of missense changes on protein structure and function (SIFT, PolyPhen-2, Align-GVGD) all suggest that this variant is likely to be tolerated, but these predictions have not been confirmed by published functional studies and their clinical significance is uncertain. This variant has not been reported in the literature in individuals with MEN1-related conditions. This variant is present in population databases (rs780563052, ExAC 0.006%). This sequence change replaces glutamic acid with lysine at codon 316 of the MEN1 protein (p.Glu316Lys). The glutamic acid residue is highly conserved and there is a small physicochemical difference between glutamic acid and lysine.

NM_001370259.2(MEN1):c.946G>A (p.Glu316Lys)

Gene: MEN1 (menin 1; minus strand). Cytogenetic location: 11q13.1.
Variant type: single nucleotide variant.
Coding change: c.946G>A on transcript NM_001370259.2 (MANE Select); coding-DNA position 946, G replaced by A.
Protein change: p.Glu316Lys; replaces glutamic acid 316 with lysine.
Molecular consequence: missense variant.
Genome position (GRCh38, 1-based): chr11:64,806,335, C>T on the plus strand (G>A on the coding strand, the complement: MEN1 is on the minus strand). VCF-style: chr11-64806335-C-T. GRCh37 (hg19) VCF-style: chr11-64573807-C-T.
Other names: c.946G>A (NM_130799.2); c.961G>A, p.Glu321Lys (NM_000244.4, NM_130800.3, NM_130801.3 and 3 more transcripts); c.946G>A, p.Glu316Lys (NM_001370251.2, NM_001370260.2, NM_001370261.2 and 1 more transcripts); c.841G>A, p.Glu281Lys (NM_001370262.2, NM_001370263.2); short protein forms E281K, E316K, E321K.
Identifiers: ClinVar variation 998460 (VCV000998460.10), dbSNP rs780563052, ClinGen allele CA061868.